The following is an entry in ClinVar:

ClinVar aggregate classification (germline): Uncertain significance (1 of 4 stars; one submission).

Allele frequency attached by ClinVar (database versions not stated): TOPMed below 0.00001.

Submission:

Labcorp Genetics (formerly Invitae), Labcorp
Classification: Uncertain significance. Last evaluated: 2023-11-27. Review status: criteria provided, single submitter. Criteria: Invitae Variant Classification Sherloc (09022015). Collection method: clinical testing. Allele origin: germline.
Comment: This sequence change replaces glutamic acid, which is acidic and polar, with lysine, which is basic and polar, at codon 57 of the CD55 protein (p.Glu57Lys). This variant is present in population databases (no rsID available, gnomAD 0.007%). This variant has not been reported in the literature in individuals affected with CD55-related conditions. ClinVar contains an entry for this variant (Variation ID: 2113037). Advanced modeling of protein sequence and biophysical properties (such as structural, functional, and spatial information, amino acid conservation, physicochemical variation, residue mobility, and thermodynamic stability) performed at Invitae indicates that this missense variant is not expected to disrupt CD55 protein function with a negative predictive value of 80%. In summary, the available evidence is currently insufficient to determine the role of this variant in disease. Therefore, it has been classified as a Variant of Uncertain Significance.

NM_000574.5(CD55):c.169G>A (p.Glu57Lys)

Gene: CD55 (CD55 molecule (Cromer blood group); plus strand). Cytogenetic location: 1q32.2.
Variant type: single nucleotide variant.
Coding change: c.169G>A on transcript NM_000574.5 (MANE Select); coding-DNA position 169, G replaced by A.
Protein change: p.Glu57Lys; replaces glutamic acid 57 with lysine.
Molecular consequence: missense variant. On other transcripts: non-coding transcript variant (1).
Genome position (GRCh38, 1-based): chr1:207,322,450, G>A. VCF-style: chr1-207322450-G-A. GRCh37 (hg19) VCF-style: chr1-207495795-G-A.
Other names: c.169G>A, p.Glu57Lys (NM_001114752.3, NM_001300902.2, NM_001300903.2 and 1 more transcripts); short protein forms E57K.
Identifiers: ClinVar variation 2113037 (VCV002113037.4), dbSNP rs369907962, ClinGen allele CA36631988.